The following is an entry in ClinVar:

NM_001347886.2(DNAH3):c.5455G>A (p.Asp1819Asn)

Gene: DNAH3 (dynein axonemal heavy chain 3; minus strand). Cytogenetic location: 16p12.3.
Variant type: single nucleotide variant.
Coding change: c.5455G>A on transcript NM_001347886.2 (MANE Select); coding-DNA position 5455, G replaced by A.
Protein change: p.Asp1819Asn; replaces aspartic acid 1819 with asparagine.
Molecular consequence: missense variant.
Genome position (GRCh38, 1-based): chr16:21,024,649, C>T on the plus strand (G>A on the coding strand, the complement: DNAH3 is on the minus strand). VCF-style: chr16-21024649-C-T. GRCh37 (hg19) VCF-style: chr16-21035971-C-T.
Other names: c.5593G>A, p.Asp1865Asn (NM_017539.2); short protein forms D1819N, D1865N.
Identifiers: ClinVar variation 4083146 (VCV004083146.1).

ClinVar aggregate classification (germline): Uncertain significance (1 of 4 stars; one submission).

Submission:

GeneDx
Classification: Uncertain significance. Last evaluated: 2025-03-14. Review status: criteria provided, single submitter. Criteria: GeneDx Variant Classification Process June 2021. Collection method: clinical testing. Allele origin: germline. Affected: yes.
Comment: Not observed at significant frequency in large population cohorts (gnomAD); In silico analysis indicates that this missense variant does not alter protein structure/function; Has not been previously published as pathogenic or benign to our knowledge; Variants in candidate genes are classified as variants of uncertain significance in accordance with ACMG guidelines (PMID: 25741868)